The following is an entry in ClinVar:

NM_001031689.3(PLAA):c.1132G>T (p.Gly378Cys)

Gene: PLAA (phospholipase A2 activating protein; minus strand). Cytogenetic location: 9p21.2.
Variant type: single nucleotide variant.
Coding change: c.1132G>T on transcript NM_001031689.3 (MANE Select); coding-DNA position 1132, G replaced by T.
Protein change: p.Gly378Cys; replaces glycine 378 with cysteine.
Molecular consequence: missense variant.
Genome position (GRCh38, 1-based): chr9:26,920,292, C>A on the plus strand (G>T on the coding strand, the complement: PLAA is on the minus strand). VCF-style: chr9-26920292-C-A. GRCh37 (hg19) VCF-style: chr9-26920290-C-A.
Other names: c.1132G>T, p.Gly378Cys (NM_001321546.2); short protein forms G378C.
Identifiers: ClinVar variation 1376416 (VCV001376416.5), dbSNP rs765130441, ClinGen allele CA5014459.

ClinVar aggregate classification (germline): Uncertain significance (1 of 4 stars; one submission).

Allele frequency attached by ClinVar (database versions not stated): gnomAD exomes below 0.00001; ExAC 0.00001.

Submission:

Labcorp Genetics (formerly Invitae), Labcorp
Classification: Uncertain significance. Last evaluated: 2021-08-24. Review status: criteria provided, single submitter. Criteria: Invitae Variant Classification Sherloc (09022015). Collection method: clinical testing. Allele origin: germline.
Comment: This sequence change replaces glycine with cysteine at codon 378 of the PLAA protein (p.Gly378Cys). The glycine residue is highly conserved and there is a large physicochemical difference between glycine and cysteine. This variant is present in population databases (rs765130441, ExAC 0.01%). This variant has not been reported in the literature in individuals affected with PLAA-related conditions. Algorithms developed to predict the effect of missense changes on protein structure and function are either unavailable or do not agree on the potential impact of this missense change (SIFT: "Deleterious"; PolyPhen-2: "Probably Damaging"; Align-GVGD: "Class C15"). In summary, the available evidence is currently insufficient to determine the role of this variant in disease. Therefore, it has been classified as a Variant of Uncertain Significance.